The following is an entry in ClinVar:

ClinVar aggregate classification (germline): Uncertain significance. Review status: criteria provided, multiple submitters, no conflicts (2 of 4 stars). 2 submissions from 2 submitters: Uncertain significance (2). Last evaluated 2022-07-13.

Conditions:
Farber lipogranulomatosis (FRBRL). Also called: Farber's lipogranulomatosis; Farber's disease; Farber disease; AC DEFICIENCY; ACID CERAMIDASE DEFICIENCY; CERAMIDASE DEFICIENCY. Identifiers: Orphanet 333, MedGen C0268255, MONDO:0009218, OMIM 228000.

Allele frequency attached by ClinVar (database versions not stated): TOPMed 0.00001; ExAC 0.00002.

Submissions (2):

Labcorp Genetics (formerly Invitae), Labcorp
Classification: Uncertain significance. Last evaluated: 2022-07-13. Review status: criteria provided, single submitter. Criteria: Invitae Variant Classification Sherloc (09022015). Collection method: clinical testing. Allele origin: germline.
Comment: This sequence change replaces leucine, which is neutral and non-polar, with valine, which is neutral and non-polar, at codon 283 of the ASAH1 protein (p.Leu283Val). This variant is present in population databases (rs750455734, gnomAD 0.006%). This variant has not been reported in the literature in individuals affected with ASAH1-related conditions. ClinVar contains an entry for this variant (Variation ID: 1031750). Algorithms developed to predict the effect of missense changes on protein structure and function output the following: SIFT: "Deleterious"; PolyPhen-2: "Benign"; Align-GVGD: "Class C25". The valine amino acid residue is found in multiple mammalian species, which suggests that this missense change does not adversely affect protein function. In summary, the available evidence is currently insufficient to determine the role of this variant in disease. Therefore, it has been classified as a Variant of Uncertain Significance.

Baylor Genetics
Classification: Uncertain significance for Farber lipogranulomatosis. Last evaluated: 2018-04-27. Review status: criteria provided, single submitter. Criteria: ACMG Guidelines, 2015. Collection method: clinical testing. Allele origin: paternal. Affected: yes.
Comment: This variant was determined to be of uncertain significance according to ACMG Guidelines, 2015 [PMID:25741868].

NM_177924.5(ASAH1):c.847C>G (p.Leu283Val)

Gene: ASAH1 (N-acylsphingosine amidohydrolase 1; minus strand). Cytogenetic location: 8p22.
Variant type: single nucleotide variant.
Coding change: c.847C>G on transcript NM_177924.5 (MANE Select); coding-DNA position 847, C replaced by G.
Protein change: p.Leu283Val; replaces leucine 283 with valine.
Molecular consequence: missense variant.
Genome position (GRCh38, 1-based): chr8:18,059,642, G>C on the plus strand (C>G on the coding strand, the complement: ASAH1 is on the minus strand). VCF-style: chr8-18059642-G-C. GRCh37 (hg19) VCF-style: chr8-17917151-G-C.
Other names: c.829C>G, p.Leu277Val (NM_001127505.3); c.652C>G, p.Leu218Val (NM_001363743.2); c.895C>G, p.Leu299Val (NM_004315.6); short protein forms L277V, L299V, L218V, L283V.
Identifiers: ClinVar variation 1031750 (VCV001031750.3), dbSNP rs750455734, ClinGen allele CA4650651.